The following is an entry in ClinVar:

ClinVar aggregate classification (germline): Uncertain significance (1 of 4 stars; one submission).

Conditions:
Cardiovascular phenotype. Identifiers: MedGen CN230736.

Submission:

Ambry Genetics
Classification: Uncertain significance for Cardiovascular phenotype. Last evaluated: 2026-07-11. Review status: criteria provided, single submitter. Criteria: Ambry Variant Classification Scheme 2023. Collection method: clinical testing. Allele origin: germline.
Comment: The p.G43E variant (also known as c.128G>A), located in coding exon 3 of the EYA4 gene, results from a G to A substitution at nucleotide position 128. The glycine at codon 43 is replaced by glutamic acid, an amino acid with similar properties. This amino acid position is conserved. In addition, the in silico prediction for this alteration is inconclusive. Based on the available evidence, the clinical significance of this variant remains unclear.

NM_004100.5(EYA4):c.128G>A (p.Gly43Glu)

Gene: EYA4 (EYA transcriptional coactivator and phosphatase 4; plus strand). Cytogenetic location: 6q23.2.
Variant type: single nucleotide variant.
Coding change: c.128G>A on transcript NM_004100.5 (MANE Select); coding-DNA position 128, G replaced by A.
Protein change: p.Gly43Glu; replaces glycine 43 with glutamic acid.
Molecular consequence: missense variant.
Genome position (GRCh38, 1-based): chr6:133,446,674, G>A. VCF-style: chr6-133446674-G-A. GRCh37 (hg19) VCF-style: chr6-133767812-G-A.
Other names: c.128G>A, p.Gly43Glu (NM_001301012.2, NM_001301013.2, NM_001370458.1 and 3 more transcripts); short protein forms G43E.
Identifiers: ClinVar variation 5036253 (VCV005036253.1).